The following is an entry in ClinVar:

ClinVar aggregate classification (germline): Uncertain significance. Review status: criteria provided, multiple submitters, no conflicts (2 of 4 stars). 2 submissions from 2 submitters: Uncertain significance (2). Last evaluated 2022-09-01.

Allele frequency attached by ClinVar (database versions not stated): ExAC 0.00102; gnomAD exomes 0.00132 and 0.00085; 1000 Genomes Project 30x 0.00016; 1000 Genomes Project 0.00020; ESP Exome Variant Server 0.00056; gnomAD 0.00070 and 0.00075; TOPMed 0.00080.
gnomAD v4.1: 2,029 of 1,612,728 alleles (0.13%); highest among the groups gnomAD compares: Non-Finnish European, 0.16%; no homozygotes.

Submissions (2):

Labcorp Genetics (formerly Invitae), Labcorp
Classification: Uncertain significance. Last evaluated: 2022-09-01. Review status: criteria provided, single submitter. Criteria: Invitae Variant Classification Sherloc (09022015). Collection method: clinical testing. Allele origin: germline.
Comment: This sequence change replaces alanine, which is neutral and non-polar, with threonine, which is neutral and polar, at codon 157 of the GPX4 protein (p.Ala157Thr). This variant is present in population databases (rs76201145, gnomAD 0.1%), and has an allele count higher than expected for a pathogenic variant. This variant has not been reported in the literature in individuals affected with GPX4-related conditions. ClinVar contains an entry for this variant (Variation ID: 1406679). Algorithms developed to predict the effect of missense changes on protein structure and function are either unavailable or do not agree on the potential impact of this missense change (SIFT: "Tolerated"; PolyPhen-2: "Not Available"; Align-GVGD: "Class C0"). In summary, the available evidence is currently insufficient to determine the role of this variant in disease. Therefore, it has been classified as a Variant of Uncertain Significance.

Breakthrough Genomics
Classification: Uncertain significance. Review status: criteria provided, single submitter. Criteria: ACMG Guidelines, 2015. Collection method: not provided. Allele origin: germline. Inheritance: Autosomal recessive inheritance. Affected: yes.

NM_002085.5(GPX4):c.358G>A (p.Ala120Thr)

Gene: GPX4 (glutathione peroxidase 4; plus strand). Cytogenetic location: 19p13.3.
Variant type: single nucleotide variant.
Coding change: c.358G>A on transcript NM_002085.5 (MANE Select); coding-DNA position 358, G replaced by A.
Protein change: p.Ala120Thr; replaces alanine 120 with threonine.
Molecular consequence: missense variant.
Genome position (GRCh38, 1-based): chr19:1,105,691, G>A. VCF-style: chr19-1105691-G-A. GRCh37 (hg19) VCF-style: chr19-1105690-G-A.
Other names: c.358G>A, p.Ala120Thr (NM_001039847.3); c.469G>A, p.Ala157Thr (NM_001039848.4); c.277G>A, p.Ala93Thr (NM_001367832.1); short protein forms A93T, A157T, A120T.
Identifiers: ClinVar variation 1406679 (VCV001406679.4), dbSNP rs76201145, ClinGen allele CA9037325.